The following is an entry in ClinVar:

ClinVar aggregate classification (germline): Pathogenic/Likely pathogenic. Review status: criteria provided, multiple submitters, no conflicts (2 of 4 stars). 2 submissions from 2 submitters: Pathogenic (1); Likely pathogenic (1). Last evaluated 2023-10-05.

Conditions:
EIF2B1-related disorder. Also called: EIF2B1-related condition.

Submissions (2):

Labcorp Genetics (formerly Invitae), Labcorp
Classification: Pathogenic. Last evaluated: 2023-10-05. Review status: criteria provided, single submitter. Criteria: Invitae Variant Classification Sherloc (09022015). Collection method: clinical testing. Allele origin: germline.
Comment: This sequence change creates a premature translational stop signal (p.Thr153Argfs*5) in the EIF2B1 gene. It is expected to result in an absent or disrupted protein product. Loss-of-function variants in EIF2B1 are known to be pathogenic (PMID: 11835386, 32865661). This variant is not present in population databases (gnomAD no frequency). This variant has not been reported in the literature in individuals affected with EIF2B1-related conditions. For these reasons, this variant has been classified as Pathogenic.

Blueprint Genetics
Classification: Likely pathogenic for EIF2B1-related disorders. Last evaluated: 2020-07-30. Review status: criteria provided, single submitter. Criteria: ACMG Guidelines, 2015. Collection method: clinical testing. Allele origin: germline. Affected: yes. Observed: 1 variant allele.

Literature cited by the submitters: PubMed 11835386 (cited by Labcorp Genetics (formerly Invitae), Labcorp); PubMed 32865661 (cited by Labcorp Genetics (formerly Invitae), Labcorp).

NM_001414.4(EIF2B1):c.458_459del (p.Thr153fs)

Gene: EIF2B1 (eukaryotic translation initiation factor 2B subunit alpha; minus strand). Cytogenetic location: 12q24.31.
Variant type: Microsatellite.
Coding change: c.458_459del on transcript NM_001414.4 (MANE Select); coding-DNA positions 458 to 459, 2 bases deleted (CA; older notation c.458_459delCA).
Protein change: p.Thr153fs; shifts the reading frame from threonine 153.
Molecular consequence: frameshift variant.
Genome position (GRCh38, 1-based): chr12:123,627,067-123,627,068, TG deleted on the plus strand (CA on the coding strand, the reverse complement: EIF2B1 is on the minus strand); deleting any 2 consecutive bases within chr12:123,627,067-123,627,070 gives the same sequence; the c. name uses the placement nearest the transcript's 3' end. VCF-style (leftmost placement, unchanged base first): chr12-123627066-CTG-C. GRCh37 (hg19) VCF-style: chr12-124111613-CTG-C.
Other names: short protein forms T153fs.
Identifiers: ClinVar variation 2765961 (VCV002765961.4), dbSNP rs1278744613, ClinGen allele CA684726315.
Genomic context (GRCh38, chr12:123,627,066, plus strand): 5'-TTATGGCTGGGCACATAACTGAACAGAAAGGTACTTGCCCTGACAAATCAGGCTGTGACT[CTG>C]TGACGTATACACTAAATCGCTTCTTGGCCGCCACGGCTGCTTCCAGGACTCTCAGGACCA-3'